The following is an entry in ClinVar:

NM_032608.7(MYO18B):c.296C>T (p.Pro99Leu)

Gene: MYO18B (myosin XVIIIB; plus strand). Cytogenetic location: 22q12.1.
Variant type: single nucleotide variant.
Coding change: c.296C>T on transcript NM_032608.7 (MANE Select); coding-DNA position 296, C replaced by T.
Protein change: p.Pro99Leu; replaces proline 99 with leucine.
Molecular consequence: missense variant.
Genome position (GRCh38, 1-based): chr22:25,768,212, C>T. VCF-style: chr22-25768212-C-T. GRCh37 (hg19) VCF-style: chr22-26164179-C-T.
Other names: c.296C>T, p.Pro99Leu (NM_001318245.2); short protein forms P99L.
Identifiers: ClinVar variation 1922377 (VCV001922377.2), dbSNP rs761725266, ClinGen allele CA10159546.

ClinVar aggregate classification (germline): Uncertain significance (1 of 4 stars; one submission).

Allele frequency attached by ClinVar (database versions not stated): ExAC 0.00001; gnomAD exomes 0.00001; TOPMed 0.00001.
gnomAD v4.1: 21 of 1,613,996 alleles (0.0013%); highest among the groups gnomAD compares: Non-Finnish European, 0.0018%; no homozygotes.

Submission:

Labcorp Genetics (formerly Invitae), Labcorp
Classification: Uncertain significance. Last evaluated: 2022-08-07. Review status: criteria provided, single submitter. Criteria: Invitae Variant Classification Sherloc (09022015). Collection method: clinical testing. Allele origin: germline.
Comment: This sequence change replaces proline, which is neutral and non-polar, with leucine, which is neutral and non-polar, at codon 99 of the MYO18B protein (p.Pro99Leu). This variant is present in population databases (rs761725266, gnomAD 0.002%). This variant has not been reported in the literature in individuals affected with MYO18B-related conditions. Algorithms developed to predict the effect of missense changes on protein structure and function output the following: SIFT: "Not Available"; PolyPhen-2: "Benign"; Align-GVGD: "Not Available". The leucine amino acid residue is found in multiple mammalian species, which suggests that this missense change does not adversely affect protein function. In summary, the available evidence is currently insufficient to determine the role of this variant in disease. Therefore, it has been classified as a Variant of Uncertain Significance.